The following is an entry in ClinVar:

ClinVar aggregate classification (germline): Conflicting classifications of pathogenicity. Review status: criteria provided, conflicting classifications (1 of 4 stars). 3 submissions from 3 submitters: Uncertain significance (1); Likely benign (2). Last evaluated 2026-01-20.

Conditions:
Inborn genetic diseases. Identifiers: MedGen C0950123, MeSH D030342.

Allele frequency attached by ClinVar (database versions not stated): ExAC 0.00006; gnomAD exomes 0.00006 and 0.00007; gnomAD 0.00008 and 0.00009; TOPMed 0.00014.

Submissions (3):

Labcorp Genetics (formerly Invitae), Labcorp
Classification: Likely benign. Last evaluated: 2026-01-20. Review status: criteria provided, single submitter. Criteria: Invitae Variant Classification Sherloc (09022015). Collection method: clinical testing. Allele origin: germline.

Blueprint Genetics
Classification: Likely benign. Last evaluated: 2024-08-19. Review status: criteria provided, single submitter. Criteria: ACMG Guidelines, 2015. Collection method: clinical testing. Allele origin: germline.

Ambry Genetics
Classification: Uncertain significance for Inborn genetic diseases. Last evaluated: 2022-04-20. Review status: criteria provided, single submitter. Criteria: Ambry Variant Classification Scheme 2023. Collection method: clinical testing. Allele origin: germline.
Comment: The c.105-6C>T intronic alteration consists of a C to T substitution 6 nucleotides before exon 2 of the WNT1 gene. Based on insufficient or conflicting evidence, the clinical significance of this alteration remains unclear.

NM_005430.4(WNT1):c.105-6C>T

Gene: WNT1 (Wnt family member 1; plus strand). Cytogenetic location: 12q13.12.
Variant type: single nucleotide variant.
Coding change: c.105-6C>T on transcript NM_005430.4 (MANE Select); 6 bases into the intron before coding-DNA position 105, C replaced by T.
Molecular consequence: intron variant.
Genome position (GRCh38, 1-based): chr12:48,979,462, C>T. VCF-style: chr12-48979462-C-T. GRCh37 (hg19) VCF-style: chr12-49373245-C-T.
Identifiers: ClinVar variation 747251 (VCV000747251.10), dbSNP rs760763815, ClinGen allele CA6544329.